The following is an entry in ClinVar:

NM_004369.4(COL6A3):c.2397G>A (p.Met799Ile)

Gene: COL6A3 (collagen type VI alpha 3 chain; minus strand). Cytogenetic location: 2q37.3.
Variant type: single nucleotide variant.
Coding change: c.2397G>A on transcript NM_004369.4 (MANE Select); coding-DNA position 2397, G replaced by A.
Protein change: p.Met799Ile; replaces methionine 799 with isoleucine.
Molecular consequence: missense variant. On other transcripts: intron variant (1).
Genome position (GRCh38, 1-based): chr2:237,378,736, C>T on the plus strand (G>A on the coding strand, the complement: COL6A3 is on the minus strand). VCF-style: chr2-237378736-C-T. GRCh37 (hg19) VCF-style: chr2-238287379-C-T.
Other names: c.1176G>A, p.Met392Ile (NM_057164.5); c.1779G>A, p.Met593Ile (NM_057165.5, NM_057167.4); c.677-1392G>A (NM_057166.5); short protein forms M593I, M799I, M392I.
Identifiers: ClinVar variation 1465485 (VCV001465485.8), dbSNP rs768905903, ClinGen allele CA2189413.
Genomic context (GRCh38, chr2:237,378,736, plus strand): 5'-ATATGTGGTTAGGGGCTGAATCAGCTGCTGAGGCAAAGCTGGCAGGGAGCTGAAATCATC[C>T]ATGAGATACACCAGGCTTGGGTTAAAAGCAATCTGCTCAAGCTCTGCCTTATTCGCCTGG-3'
Protein context (NP_004360.2, residues 789-809): IAFNPSLVYL[Met799Ile]DDFSSLPALP

ClinVar aggregate classification (germline): Uncertain significance (1 of 4 stars; one submission).

Conditions:
Bethlem myopathy 1A. Also called: Bethlem myopathy 1; Bethlem Muscular Dystrophy; MYOPATHY, BENIGN CONGENITAL, WITH CONTRACTURES. Identifiers: Orphanet 610, MedGen CN029274, MONDO:0024530, OMIM 158810.

Allele frequency attached by ClinVar (database versions not stated): ExAC 0.00001; gnomAD exomes 0.00001 and below 0.00001.
gnomAD v4.1: 2 of 1,614,116 alleles (0.00012%); highest among the groups gnomAD compares: East Asian, 0.0045%; no homozygotes.

Submission:

Labcorp Genetics (formerly Invitae), Labcorp
Classification: Uncertain significance for Bethlem myopathy 1A. Last evaluated: 2021-04-26. Review status: criteria provided, single submitter. Criteria: Invitae Variant Classification Sherloc (09022015). Collection method: clinical testing. Allele origin: germline.
Comment: In summary, the available evidence is currently insufficient to determine the role of this variant in disease. Therefore, it has been classified as a Variant of Uncertain Significance. Algorithms developed to predict the effect of sequence changes on RNA splicing suggest that this variant may create or strengthen a splice site, but this prediction has not been confirmed by published transcriptional studies. Advanced modeling of protein sequence and biophysical properties (such as structural, functional, and spatial information, amino acid conservation, physicochemical variation, residue mobility, and thermodynamic stability) performed at Invitae indicates that this missense variant is not expected to disrupt COL6A3 protein function. This variant has not been reported in the literature in individuals with COL6A3-related conditions. This variant is present in population databases (rs768905903, ExAC 0.01%). This sequence change replaces methionine with isoleucine at codon 799 of the COL6A3 protein (p.Met799Ile). The methionine residue is moderately conserved and there is a small physicochemical difference between methionine and isoleucine.